The following is an entry in ClinVar:

NM_007118.4(TRIO):c.4402A>G (p.Met1468Val)

Gene: TRIO (trio Rho guanine nucleotide exchange factor; plus strand). Cytogenetic location: 5p15.2.
Variant type: single nucleotide variant.
Coding change: c.4402A>G on transcript NM_007118.4 (MANE Select); coding-DNA position 4402, A replaced by G.
Protein change: p.Met1468Val; replaces methionine 1468 with valine.
Molecular consequence: missense variant. On other transcripts: non-coding transcript variant (1).
Genome position (GRCh38, 1-based): chr5:14,397,133, A>G. VCF-style: chr5-14397133-A-G. GRCh37 (hg19) VCF-style: chr5-14397242-A-G.
Other names: short protein forms M1468V.
Identifiers: ClinVar variation 3370920 (VCV003370920.2).
Genomic context (GRCh38, chr5:14,397,133, plus strand): 5'-GGAGAGATTAAAGATGGCCTGGAGGTGATGCTCAGCGTGCCGAAGCGAGCCAATGATGCC[A>G]TGCACCTCAGCATGCTGGAAGGTAAAGGACCCTCCATACCCCAGTGTGCATCTATGCAGT-3'
Protein context (NP_009049.2, residues 1458-1478): LSVPKRANDA[Met1468Val]HLSMLEGFDE

ClinVar aggregate classification (germline): Uncertain significance (1 of 4 stars; one submission).

Submission:

GeneDx
Classification: Uncertain significance. Last evaluated: 2025-11-16. Review status: criteria provided, single submitter. Criteria: GeneDx Variant Classification Process June 2021. Collection method: clinical testing. Allele origin: germline. Affected: yes.
Comment: Not observed at significant frequency in large population cohorts (gnomAD); In silico analysis supports that this missense variant has a deleterious effect on protein structure/function; Has not been previously published as pathogenic or benign to our knowledge